The following is an entry in ClinVar:

NM_000264.5(PTCH1):c.4307A>G (p.Glu1436Gly)

Gene: PTCH1 (patched 1; minus strand). Cytogenetic location: 9q22.32.
Variant type: single nucleotide variant.
Coding change: c.4307A>G on transcript NM_000264.5 (MANE Select); coding-DNA position 4307, A replaced by G.
Protein change: p.Glu1436Gly; replaces glutamic acid 1436 with glycine.
Molecular consequence: missense variant. On other transcripts: non-coding transcript variant (1).
Genome position (GRCh38, 1-based): chr9:95,446,949, T>C on the plus strand (A>G on the coding strand, the complement: PTCH1 is on the minus strand). VCF-style: chr9-95446949-T-C. GRCh37 (hg19) VCF-style: chr9-98209231-T-C.
Other names: c.4109A>G, p.Glu1370Gly (NM_001083602.3); c.4304A>G, p.Glu1435Gly (NM_001083603.3); c.3854A>G, p.Glu1285Gly (NM_001083604.3, NM_001083605.3, NM_001083606.3 and 1 more transcripts); c.4151A>G, p.Glu1384Gly (NM_001354918.2); short protein forms E1384G, E1370G, E1435G, E1436G, E1285G.
Identifiers: ClinVar variation 1348586 (VCV001348586.10), dbSNP rs2136570975, ClinGen allele CA374109896.
Genomic context (GRCh38, chr9:95,446,949, plus strand): 5'-TGCCCTTGTCAGTGGCACTCACCTCAGTTGGAGCTGCTTCCCCGGGGCCTCTCCTCGCAT[T>C]CCACGTCCTGCAGCTCAATGACTTCCACCTTCGAATCCCTCCTCTCACACCGGACGTGGA-3'
Protein context (NP_000255.2, residues 1426-1446): KVEVIELQDV[Glu1436Gly]CEERPRGSSS

ClinVar aggregate classification (germline): Uncertain significance. Review status: criteria provided, multiple submitters, no conflicts (2 of 4 stars). 2 submissions from 2 submitters: Uncertain significance (2). Last evaluated 2021-01-07.

Conditions:
Hereditary cancer-predisposing syndrome. Also called: Hereditary Cancer Syndrome; Neoplastic Syndromes, Hereditary; Tumor predisposition; Hereditary neoplastic syndrome. Identifiers: Orphanet 140162, MedGen C0027672, MeSH D009386, MONDO:0015356.
Gorlin syndrome. Also called: Basal cell nevus syndrome; Nevoid Basal Cell Carcinoma Syndrome. Identifiers: Orphanet 377, MedGen C0004779, MONDO:0007187.

Submissions (2):

Labcorp Genetics (formerly Invitae), Labcorp
Classification: Uncertain significance for Gorlin syndrome. Last evaluated: 2021-01-07. Review status: criteria provided, single submitter. Criteria: Invitae Variant Classification Sherloc (09022015). Collection method: clinical testing. Allele origin: germline.
Comment: Algorithms developed to predict the effect of missense changes on protein structure and function are either unavailable or do not agree on the potential impact of this missense change (SIFT: "Deleterious"; PolyPhen-2: "Probably Damaging"; Align-GVGD: "Class C0"). In summary, the available evidence is currently insufficient to determine the role of this variant in disease. Therefore, it has been classified as a Variant of Uncertain Significance. This variant has not been reported in the literature in individuals with PTCH1-related conditions. This variant is not present in population databases (ExAC no frequency). This sequence change replaces glutamic acid with glycine at codon 1436 of the PTCH1 protein (p.Glu1436Gly). The glutamic acid residue is moderately conserved and there is a moderate physicochemical difference between glutamic acid and glycine.

Ambry Genetics
Classification: Uncertain significance for Hereditary cancer-predisposing syndrome. Last evaluated: 2020-12-21. Review status: criteria provided, single submitter. Criteria: Ambry Variant Classification Scheme 2023. Collection method: clinical testing. Allele origin: germline.
Comment: The p.E1436G variant (also known as c.4307A>G), located in coding exon 23 of the PTCH1 gene, results from an A to G substitution at nucleotide position 4307. The glutamic acid at codon 1436 is replaced by glycine, an amino acid with similar properties. This amino acid position is well conserved in available vertebrate species. In addition, this alteration is predicted to be deleterious by in silico analysis. Since supporting evidence is limited at this time, the clinical significance of this alteration remains unclear.